The following is an entry in ClinVar:

ClinVar aggregate classification (germline): Uncertain significance (1 of 4 stars; one submission).

gnomAD v4.1: 21 of 1,611,116 alleles (0.0013%); highest among the groups gnomAD compares: African/African-American, 0.0093%; no homozygotes.

Submission:

GeneDx
Classification: Uncertain significance. Last evaluated: 2025-07-11. Review status: criteria provided, single submitter. Criteria: GeneDx Variant Classification Process June 2021. Collection method: clinical testing. Allele origin: germline. Affected: yes.
Comment: In silico analysis supports that this missense variant has a deleterious effect on protein structure/function; Has not been previously published as pathogenic or benign to our knowledge

NM_133261.3(GIPC3):c.865G>A (p.Glu289Lys)

Gene: GIPC3 (GIPC PDZ domain containing family member 3; plus strand). Cytogenetic location: 19p13.3.
Variant type: single nucleotide variant.
Coding change: c.865G>A on transcript NM_133261.3 (MANE Select); coding-DNA position 865, G replaced by A.
Protein change: p.Glu289Lys; replaces glutamic acid 289 with lysine.
Molecular consequence: missense variant.
Genome position (GRCh38, 1-based): chr19:3,590,116, G>A. VCF-style: chr19-3590116-G-A. GRCh37 (hg19) VCF-style: chr19-3590114-G-A.
Other names: c.878G>A, p.Arg293Gln (NM_001411144.1); short protein forms E289K, R293Q.
Identifiers: ClinVar variation 4685092 (VCV004685092.1).